The following is an entry in ClinVar:

NM_032444.4(SLX4):c.908T>C (p.Leu303Pro)

Gene: SLX4 (SLX4 structure-specific endonuclease subunit; minus strand). Cytogenetic location: 16p13.3.
Variant type: single nucleotide variant.
Coding change: c.908T>C on transcript NM_032444.4 (MANE Select); coding-DNA position 908, T replaced by C.
Protein change: p.Leu303Pro; replaces leucine 303 with proline.
Molecular consequence: missense variant.
Genome position (GRCh38, 1-based): chr16:3,602,160, A>G on the plus strand (T>C on the coding strand, the complement: SLX4 is on the minus strand). VCF-style: chr16-3602160-A-G. GRCh37 (hg19) VCF-style: chr16-3652161-A-G.
Other names: short protein forms L303P.
Identifiers: ClinVar variation 2006691 (VCV002006691.4), dbSNP rs2548222257, ClinGen allele CA394532234.
Genomic context (GRCh38, chr16:3,602,160, plus strand): 5'-GGCCCAAGCTGCCCCCACCTGTTCACATGCTGTTCCCTTCGGGTCACGTTCATGGCTGAG[A>G]GGTTCTTTTGACAAATCTGGCAGAAGAACAAACCCTTTTCCTCCAGGCTATCATCATGTG-3'
Protein context (NP_115820.2, residues 293-313): LFFCQICQKN[Leu303Pro]SAMNVTRREQ

ClinVar aggregate classification (germline): Uncertain significance (1 of 4 stars; one submission).

Conditions:
Fanconi anemia (FA). Also called: Fanconi's anemia. Identifiers: Orphanet 84, MedGen C0015625, MeSH D005199, MONDO:0019391.

Allele frequency attached by ClinVar (database versions not stated): gnomAD exomes below 0.00001.
gnomAD v4.1: 1 of 1,614,004 alleles (0.000062%); highest among the groups gnomAD compares: Admixed American, 0.0017%; no homozygotes.

Submission:

Labcorp Genetics (formerly Invitae), Labcorp
Classification: Uncertain significance for Fanconi anemia. Last evaluated: 2022-06-14. Review status: criteria provided, single submitter. Criteria: Invitae Variant Classification Sherloc (09022015). Collection method: clinical testing. Allele origin: germline.
Comment: In summary, the available evidence is currently insufficient to determine the role of this variant in disease. Therefore, it has been classified as a Variant of Uncertain Significance. Algorithms developed to predict the effect of missense changes on protein structure and function are either unavailable or do not agree on the potential impact of this missense change (SIFT: "Deleterious"; PolyPhen-2: "Probably Damaging"; Align-GVGD: "Class C0"). This sequence change replaces leucine, which is neutral and non-polar, with proline, which is neutral and non-polar, at codon 303 of the SLX4 protein (p.Leu303Pro). This variant is not present in population databases (gnomAD no frequency). This variant has not been reported in the literature in individuals affected with SLX4-related conditions.